The following continues an entry in ClinVar:

NM_000059.4(BRCA2):c.1012G>A (p.Ala338Thr)

Gene: BRCA2. ClinVar aggregate classification (germline): Conflicting classifications of pathogenicity. Uncertain significance (13); Likely benign (2).

Submissions 10 to 17 of 17:

Women's Health and Genetics/Laboratory Corporation of America, LabCorp
Classification: Uncertain significance. Last evaluated: 2020-12-15. Review status: criteria provided, single submitter. Criteria: LabCorp Variant Classification Summary - May 2015. Collection method: clinical testing. Allele origin: germline.
Comment: Variant summary: BRCA2 c.1012G>A (p.Ala338Thr) results in a non-conservative amino acid change in the encoded protein sequence. Four of five in-silico tools predict a benign effect of the variant on protein function. The variant allele was found at a frequency of 2.8e-05 in 246458 control chromosomes (gnomAD). The available data on variant occurrences in the general population are insufficient to allow any conclusion about variant significance. c.1012G>A has been reported in the literature in individuals affected with breast cancer and/or ovarian cancer (Tazzite_2012, Abulkhair_2018). These reports do not provide unequivocal conclusions about association of the variant with Hereditary Breast And Ovarian Cancer Syndrome. To our knowledge, no experimental evidence demonstrating an impact on protein function has been reported. Seven ClinVar submitters (evaluation after 2014) cite the variant as uncertain significance (6x) and likely benign (1x). Based on the evidence outlined above, the variant was classified as uncertain significance.

Mendelics
Classification: Uncertain significance for Breast-ovarian cancer, familial, susceptibility to, 2. Last evaluated: 2019-05-28. Review status: criteria provided, single submitter. Criteria: Mendelics Assertion Criteria 2017. Collection method: clinical testing. Allele origin: unknown.

Ambry Genetics
Classification: Likely benign for Hereditary cancer-predisposing syndrome. Last evaluated: 2019-03-13. Review status: criteria provided, single submitter. Criteria: Ambry Variant Classification Scheme 2023. Collection method: clinical testing. Allele origin: germline.

Blueprint Genetics
Classification: Uncertain significance. Last evaluated: 2018-01-08. Review status: criteria provided, single submitter. Criteria: ACMG Guidelines, 2015. Collection method: clinical testing. Allele origin: germline.

Illumina Laboratory Services, Illumina
Classification: Uncertain significance for Fanconi anemia complementation group D1. Last evaluated: 2017-04-27. Review status: criteria provided, single submitter. Criteria: ICSL Variant Classification Criteria 13 December 2019. Collection method: clinical testing. Allele origin: germline.

Illumina Laboratory Services, Illumina
Classification: Uncertain significance for Breast-ovarian cancer, familial, susceptibility to, 2. Last evaluated: 2017-04-27. Review status: criteria provided, single submitter. Criteria: ICSL Variant Classification Criteria 13 December 2019. Collection method: clinical testing. Allele origin: germline.

BRCAlab, Lund University
Classification: Uncertain significance for Breast-ovarian cancer, familial, susceptibility to, 2. Last evaluated: 2020-03-02. Review status: no assertion criteria provided. Collection method: clinical testing. Allele origin: germline. Affected: yes. Not counted in ClinVar's aggregate classification.

Breast Cancer Information Core (BIC) (BRCA2)
Classification: Uncertain significance for Breast-ovarian cancer, familial 2. Last evaluated: 2002-05-29. Review status: no assertion criteria provided. Collection method: clinical testing. Allele origin: germline. Affected: yes. Observed: 2 variant alleles. Not counted in ClinVar's aggregate classification.

Literature cited by the submitters: PubMed 22425665 (cited by 5 submitters); PubMed 30199306 (cited by 5 submitters); PubMed 34196900 (cited by Labcorp Genetics (formerly Invitae), Labcorp and Quest Diagnostics Nichols Institute San Juan Capistrano); PubMed 34597585 (cited by 3 submitters); PubMed 39148954 (cited by Labcorp Genetics (formerly Invitae), Labcorp); PubMed 36140756 (cited by Quest Diagnostics Nichols Institute San Juan Capistrano); PubMed 31853058 (cited by Quest Diagnostics Nichols Institute San Juan Capistrano); PubMed 28477318 (cited by Quest Diagnostics Nichols Institute San Juan Capistrano); PubMed 31131967 (cited by Color Diagnostics, LLC DBA Color Health); PubMed 33471991 (cited by Color Diagnostics, LLC DBA Color Health).